The following is an entry in ClinVar:

NM_001374736.1(DST):c.4281+5G>A

Gene: DST (dystonin; minus strand). Cytogenetic location: 6p12.1.
Variant type: single nucleotide variant.
Coding change: c.4281+5G>A on transcript NM_001374736.1 (MANE Select); 5 bases into the intron after coding-DNA position 4281, G replaced by A.
Molecular consequence: intron variant.
Genome position (GRCh38, 1-based): chr6:56,630,240, C>T on the plus strand (G>A on the coding strand, the complement: DST is on the minus strand). VCF-style: chr6-56630240-C-T. GRCh37 (hg19) VCF-style: chr6-56495038-C-T.
Other names: c.4182+5G>A (NM_001144769.5); c.4281+5G>A (NM_001374722.1); c.4308+5G>A (NM_001374734.1); c.3768+5G>A (NM_001144770.2); c.3648+5G>A (NM_001374730.1, NM_001386100.1, NM_183380.4 and 1 more transcripts); c.2670+5G>A (NM_015548.5, NM_001723.7).
Identifiers: ClinVar variation 1738506 (VCV001738506.2), dbSNP rs779381963, ClinGen allele CA3870938.

ClinVar aggregate classification (germline): Uncertain significance (1 of 4 stars; one submission).

Conditions:
Inborn genetic diseases. Identifiers: MedGen C0950123, MeSH D030342.

Allele frequency attached by ClinVar (database versions not stated): TOPMed below 0.00001; ExAC 0.00001; gnomAD 0.00001.
gnomAD v4.1: 10 of 1,574,230 alleles (0.00064%); highest among the groups gnomAD compares: South Asian, 0.0078%; no homozygotes.

Submission:

Ambry Genetics
Classification: Uncertain significance for Inborn genetic diseases. Last evaluated: 2020-11-17. Review status: criteria provided, single submitter. Criteria: Ambry Variant Classification Scheme 2023. Collection method: clinical testing. Allele origin: germline.
Comment: The c.4182+5G>A intronic variant results from a G to A substitution 5 nucleotides after coding exon 30 in the DST gene. This nucleotide position is well conserved in available vertebrate species. In silico splice site analysis predicts that this alteration will not have any significant effect on splicing. Since supporting evidence is limited at this time, the clinical significance of this alteration remains unclear.